The following is an entry in ClinVar:

ClinVar aggregate classification (germline): Likely pathogenic. Review status: criteria provided, multiple submitters, no conflicts (2 of 4 stars). 2 submissions from 2 submitters: Likely pathogenic (2). Last evaluated 2023-03-31.

Conditions:
RECQL4-related disorder. Also called: RECQL4-related condition; RECQL4-related disorders.
Baller-Gerold syndrome (BGS). Also called: CRANIOSYNOSTOSIS WITH RADIAL DEFECTS. Identifiers: Orphanet 1225, MedGen C0265308, MONDO:0009039, OMIM 218600.

Submissions (2):

Blueprint Genetics
Classification: Likely pathogenic for RECQL4-related disorders. Last evaluated: 2023-03-31. Review status: criteria provided, single submitter. Criteria: ACMG Guidelines, 2015. Collection method: clinical testing. Allele origin: germline. Affected: yes. Observed: 3 variant alleles.

Labcorp Genetics (formerly Invitae), Labcorp
Classification: Likely pathogenic for Baller-Gerold syndrome. Last evaluated: 2022-02-04. Review status: criteria provided, single submitter. Criteria: Invitae Variant Classification Sherloc (09022015). Collection method: clinical testing. Allele origin: germline.
Comment: Experimental studies and prediction algorithms are not available or were not evaluated, and the effect of this variant on mRNA splicing is currently unknown. This variant has not been reported in the literature in individuals affected with RECQL4-related conditions. This variant is not present in population databases (gnomAD no frequency). This sequence change affects a donor splice site in intron 10 of the RECQL4 gene. It is expected to disrupt RNA splicing. Variants that disrupt the donor or acceptor splice site typically lead to a loss of protein function (PMID: 16199547), and loss-of-function variants in RECQL4 are known to be pathogenic (PMID: 12734318, 12952869). In summary, the currently available evidence indicates that the variant is pathogenic, but additional data are needed to prove that conclusively. Therefore, this variant has been classified as Likely Pathogenic.

Literature cited by the submitters: PubMed 16199547 (cited by Labcorp Genetics (formerly Invitae), Labcorp); PubMed 12734318 (cited by Labcorp Genetics (formerly Invitae), Labcorp); PubMed 12952869 (cited by Labcorp Genetics (formerly Invitae), Labcorp).

NM_004260.4(RECQL4):c.1704+2T>G

Gene: RECQL4 (RecQ like helicase 4; minus strand). Cytogenetic location: 8q24.3.
Variant type: single nucleotide variant.
Coding change: c.1704+2T>G on transcript NM_004260.4 (MANE Select); the canonical splice donor site of the intron after coding-DNA position 1704, T replaced by G.
Molecular consequence: splice donor variant.
Genome position (GRCh38, 1-based): chr8:144,514,440, A>C on the plus strand (T>G on the coding strand, the complement: RECQL4 is on the minus strand). VCF-style: chr8-144514440-A-C. GRCh37 (hg19) VCF-style: chr8-145739824-A-C.
Other names: c.1575+2T>G (NM_001413025.1); c.1353+2T>G (NM_001413029.1); c.567+2T>G (NM_001413032.1, NM_001413027.1, NM_001413031.1 and 2 more transcripts); c.633+2T>G (NM_001413035.1, NM_001413040.1, NM_001413021.1 and 7 more transcripts); c.1608+2T>G (NM_001413017.1, NM_001413020.1); c.1674+2T>G (NM_001413039.1); c.1704+2T>G (NM_001413033.1, NM_001413018.1, NM_001413036.1 and 1 more transcripts); c.237+2T>G (NM_001413043.1); and 1 more.
Identifiers: ClinVar variation 2047359 (VCV002047359.5), dbSNP rs772896860, ClinGen allele CA372681457.